The following is an entry in ClinVar:

NM_001037333.3(CYFIP2):c.1058G>A (p.Arg353Gln)

Gene: CYFIP2 (cytoplasmic FMR1 interacting protein 2; plus strand). Cytogenetic location: 5q33.3.
Variant type: single nucleotide variant.
Coding change: c.1058G>A on transcript NM_001037333.3 (MANE Select); coding-DNA position 1058, G replaced by A.
Protein change: p.Arg353Gln; replaces arginine 353 with glutamine.
Molecular consequence: missense variant.
Genome position (GRCh38, 1-based): chr5:157,311,729, G>A. VCF-style: chr5-157311729-G-A. GRCh37 (hg19) VCF-style: chr5-156738737-G-A.
Other names: c.980G>A, p.Arg327Gln (NM_001291721.2); c.1058G>A, p.Arg353Gln (NM_001291722.2, NM_014376.4); short protein forms R353Q, R327Q.
Identifiers: ClinVar variation 2989215 (VCV002989215.3), dbSNP rs990110659, ClinGen allele CA130167668.

ClinVar aggregate classification (germline): Uncertain significance (1 of 4 stars; one submission).

Allele frequency attached by ClinVar (database versions not stated): gnomAD exomes 0.00001.
gnomAD v4.1: 12 of 1,609,186 alleles (0.00075%); highest among the groups gnomAD compares: Non-Finnish European, 0.00085%; no homozygotes.

Submission:

Labcorp Genetics (formerly Invitae), Labcorp
Classification: Uncertain significance. Last evaluated: 2022-10-28. Review status: criteria provided, single submitter. Criteria: Invitae Variant Classification Sherloc (09022015). Collection method: clinical testing. Allele origin: germline.
Comment: In summary, the available evidence is currently insufficient to determine the role of this variant in disease. Therefore, it has been classified as a Variant of Uncertain Significance. Algorithms developed to predict the effect of missense changes on protein structure and function are either unavailable or do not agree on the potential impact of this missense change (SIFT: "Deleterious"; PolyPhen-2: "Not Available"; Align-GVGD: "Class C0"). This variant has not been reported in the literature in individuals affected with CYFIP2-related conditions. The frequency data for this variant in the population databases is considered unreliable, as metrics indicate poor data quality at this position in the gnomAD database. This sequence change replaces arginine, which is basic and polar, with glutamine, which is neutral and polar, at codon 353 of the CYFIP2 protein (p.Arg353Gln).